The following is an entry in ClinVar:

NM_000548.5(TSC2):c.2740A>T (p.Lys914Ter)

Gene: TSC2 (TSC complex subunit 2; plus strand). Cytogenetic location: 16p13.3.
Variant type: single nucleotide variant.
Coding change: c.2740A>T on transcript NM_000548.5 (MANE Select); coding-DNA position 2740, A replaced by T.
Protein change: p.Lys914Ter; replaces lysine 914 with a stop codon.
Molecular consequence: nonsense. On other transcripts: non-coding transcript variant (5).
Genome position (GRCh38, 1-based): chr16:2,076,168, A>T. VCF-style: chr16-2076168-A-T. GRCh37 (hg19) VCF-style: chr16-2126169-A-T.
Other names: c.2740A>T, p.Lys914Ter (NM_001077183.3, NM_001114382.3, NM_001363528.2 and 6 more transcripts); c.2629A>T, p.Lys877Ter (NM_001318827.2, NM_001406670.1, NM_001406678.1); c.2593A>T, p.Lys865Ter (NM_001318829.2, NM_001406675.1, NM_001406676.1 and 1 more transcripts); c.2140A>T, p.Lys714Ter (NM_001318831.2, NM_001406680.1, NM_001406682.1 and 6 more transcripts); c.2773A>T, p.Lys925Ter (NM_001318832.2); c.2830A>T, p.Lys944Ter (NM_001406667.1, NM_001406668.1); c.2728A>T, p.Lys910Ter (NM_001406671.1, NM_001406673.1); c.2683A>T, p.Lys895Ter (NM_001406677.1); and 3 more; short protein forms K380*, K466*, K714*, K760*, K865*, K877*, K895*, K910*.
Identifiers: ClinVar variation 4879363 (VCV004879363.1).

ClinVar aggregate classification (germline): Likely pathogenic (1 of 4 stars; one submission).

Conditions:
Isolated focal cortical dysplasia type II (FCORD2). Also called: Focal cortical dysplasia type II; CORTICAL DYSPLASIA OF TAYLOR. Identifiers: Orphanet 268994, MedGen C1846385, MONDO:0011818, OMIM 607341, HP:0032051.

Submission:

Human Genome Lab, NIMHANS, National Institute of Mental Health and Neuro Sciences
Classification: Likely pathogenic for Isolated focal cortical dysplasia type II. Last evaluated: 2025-02-08. Review status: criteria provided, single submitter. Criteria: ACMG Guidelines, 2015. Collection method: clinical testing. Allele origin: somatic. Affected: yes. Observed: 1 variant allele, 1 mosaic individual.
Comment: The stop gained NM_000548.5(TSC2):c.2740A>T (p.Lys914Ter) is not currently classified as pathogenic or benign in clinical sources. The p.Lys914Ter variant is novel (not in any individuals) in 1kG All. The p.Lys914Ter variant is novel (not in any individuals) in gnomAD. This variant is predicted to cause loss of normal protein function through protein truncation. This variant is a stop gained variant which occurs in an exon of TSC2 upstream of where nonsense mediated decay is predicted to occur. There are 582 downstream pathogenic loss of function variants, with the furthest variant being 892 residues downstream of this variant. This indicates that the region is critical to protein function. The gene TSC2 has a low rate of benign loss of function variants as indicated by a low upper bound of the observed/expected confidence interval 0.20. The p.Lys914Ter variant is a loss of function variant in the gene TSC2, which is intolerant of Loss of Function variants, as indicated by the presence of existing pathogenic loss of function variant NP_000539.2:p.M1_V1807delins12 and 1030 others. (ACMG Criteria: PM2, PVS1)